The following is an entry in ClinVar:

NM_002230.4(JUP):c.1158+14C>G

Gene: JUP (junction plakoglobin; minus strand). Cytogenetic location: 17q21.2.
Variant type: single nucleotide variant.
Coding change: c.1158+14C>G on transcript NM_002230.4 (MANE Select); 14 bases into the intron after coding-DNA position 1158, C replaced by G.
Molecular consequence: intron variant.
Genome position (GRCh38, 1-based): chr17:41,764,699, G>C on the plus strand (C>G on the coding strand, the complement: JUP is on the minus strand). VCF-style: chr17-41764699-G-C. GRCh37 (hg19) VCF-style: chr17-39920951-G-C.
Other names: c.1158+14C>G (NM_001352774.2, NM_021991.4, NM_001352776.2 and 3 more transcripts).
Identifiers: ClinVar variation 4792927 (VCV004792927.1).

ClinVar aggregate classification (germline): Uncertain significance (1 of 4 stars; one submission).

Conditions:
Arrhythmogenic right ventricular dysplasia 12. Also called: ARRHYTHMOGENIC RIGHT VENTRICULAR DYSPLASIA, FAMILIAL, 12. Identifiers: MedGen C1969081, MONDO:0012684, OMIM 611528.
Naxos disease (NXD). Also called: PALMOPLANTAR KERATODERMA WITH ARRHYTHMOGENIC RIGHT VENTRICULAR CARDIOMYOPATHY AND WOOLLY HAIR; WOOLLY HAIR, PALMOPLANTAR KERATODERMA, AND CARDIAC ABNORMALITIES; CARDIOMYOPATHY, ARRHYTHMOGENIC RIGHT VENTRICULAR, WITH SKIN, HAIR, AND NAIL ABNORMALITIES; KERATOSIS PALMOPLANTARIS WITH ARRHYTHMOGENIC CARDIOMYOPATHY; MAL DE NAXOS. Identifiers: Orphanet 34217, MedGen C1832600, MONDO:0011017, OMIM 601214.

Submission:

Labcorp Genetics (formerly Invitae), Labcorp
Classification: Uncertain significance for Arrhythmogenic right ventricular dysplasia 12; Naxos disease. Last evaluated: 2025-02-10. Review status: criteria provided, single submitter. Criteria: Invitae Variant Classification Sherloc (09022015). Collection method: clinical testing. Allele origin: germline.
Comment: This sequence change falls in intron 7 of the JUP gene. It does not directly change the encoded amino acid sequence of the JUP protein. This variant is not present in population databases (gnomAD no frequency). This variant has not been reported in the literature in individuals affected with JUP-related conditions. Algorithms developed to predict the effect of sequence changes on RNA splicing suggest that this variant may create or strengthen a splice site. In summary, the available evidence is currently insufficient to determine the role of this variant in disease. Therefore, it has been classified as a Variant of Uncertain Significance.